The following is an entry in ClinVar:

ClinVar aggregate classification (germline): Uncertain significance. Review status: criteria provided, multiple submitters, no conflicts (2 of 4 stars). 2 submissions from 2 submitters: Uncertain significance (2). Last evaluated 2025-05-13.

Conditions:
Shprintzen-Goldberg syndrome (SGS). Also called: CRANIOSYNOSTOSIS WITH ARACHNODACTYLY AND ABDOMINAL HERNIAS; Marfanoid disorder with craniosynostosis type 1; Marfanoid craniosynostosis syndrome; Shprintzen-Goldberg marfanoid syndrome; SHPRINTZEN-GOLDBERG CRANIOSYNOSTOSIS SYNDROME. Identifiers: Orphanet 2462, MedGen C1321551, MONDO:0008426, OMIM 182212.
Familial thoracic aortic aneurysm and aortic dissection (TAAD). Also called: Thoracic aortic aneurysms and dissections. Identifiers: Orphanet 91387, MedGen C4707243, MONDO:0019625.

gnomAD v4.1: 2 of 1,544,422 alleles (0.00013%); highest among the groups gnomAD compares: Non-Finnish European, 0.00017%; no homozygotes.

Submissions (2):

Labcorp Genetics (formerly Invitae), Labcorp
Classification: Uncertain significance for Shprintzen-Goldberg syndrome. Last evaluated: 2025-05-13. Review status: criteria provided, single submitter. Criteria: Invitae Variant Classification Sherloc (09022015). Collection method: clinical testing. Allele origin: germline.
Comment: This sequence change replaces aspartic acid, which is acidic and polar, with glutamic acid, which is acidic and polar, at codon 687 of the SKI protein (p.Asp687Glu). This variant is present in population databases (no rsID available, gnomAD 0.002%). This variant has not been reported in the literature in individuals affected with SKI-related conditions. ClinVar contains an entry for this variant (Variation ID: 463406). Invitae Evidence Modeling of protein sequence and biophysical properties (such as structural, functional, and spatial information, amino acid conservation, physicochemical variation, residue mobility, and thermodynamic stability) indicates that this missense variant is not expected to disrupt SKI protein function with a negative predictive value of 95%. In summary, the available evidence is currently insufficient to determine the role of this variant in disease. Therefore, it has been classified as a Variant of Uncertain Significance.

Ambry Genetics
Classification: Uncertain significance for Familial thoracic aortic aneurysm and aortic dissection. Last evaluated: 2022-08-07. Review status: criteria provided, single submitter. Criteria: Ambry Variant Classification Scheme 2023. Collection method: clinical testing. Allele origin: germline.
Comment: The p.D687E variant (also known as c.2061C>A), located in coding exon 7 of the SKI gene, results from a C to A substitution at nucleotide position 2061. The aspartic acid at codon 687 is replaced by glutamic acid, an amino acid with highly similar properties. This amino acid position is conserved. In addition, the in silico prediction for this alteration is inconclusive. Since supporting evidence is limited at this time, the clinical significance of this alteration remains unclear.

NM_003036.4(SKI):c.2061C>A (p.Asp687Glu)

Gene: SKI (SKI proto-oncogene; plus strand). Cytogenetic location: 1p36.32.
Variant type: single nucleotide variant.
Coding change: c.2061C>A on transcript NM_003036.4 (MANE Select); coding-DNA position 2061, C replaced by A.
Protein change: p.Asp687Glu; replaces aspartic acid 687 with glutamic acid.
Molecular consequence: missense variant.
Genome position (GRCh38, 1-based): chr1:2,306,639, C>A. VCF-style: chr1-2306639-C-A. GRCh37 (hg19) VCF-style: chr1-2238078-C-A.
Other names: short protein forms D687E.
Identifiers: ClinVar variation 463406 (VCV000463406.12), dbSNP rs1021794039, ClinGen allele CA337959654.
Genomic context (GRCh38, chr1:2,306,639, plus strand): 5'-CGAAGACCTGCAGGTGAAGCTGCAGCACGCGGAGGCGGACCGGGAGCAGCTGCGGGCCGA[C>A]CTGCTGCGGGAGCGCGAGGCCCGGGAGCACCTGGAGAAGGTGGTGAAGGAGCTGCAGGAA-3'
Protein context (NP_003027.1, residues 677-697): AEADREQLRA[Asp687Glu]LLREREAREH